The following is an entry in ClinVar:

NM_002693.3(POLG):c.1439A>G (p.Lys480Arg)

Gene: POLG (DNA polymerase gamma, catalytic subunit; minus strand). Cytogenetic location: 15q26.1.
Variant type: single nucleotide variant.
Coding change: c.1439A>G on transcript NM_002693.3 (MANE Select); coding-DNA position 1439, A replaced by G.
Protein change: p.Lys480Arg; replaces lysine 480 with arginine.
Molecular consequence: missense variant.
Genome position (GRCh38, 1-based): chr15:89,327,058, T>C on the plus strand (A>G on the coding strand, the complement: POLG is on the minus strand). VCF-style: chr15-89327058-T-C. GRCh37 (hg19) VCF-style: chr15-89870289-T-C.
Other names: c.1439A>G, p.Lys480Arg (NM_001126131.2); short protein forms K480R.
Identifiers: ClinVar variation 886020 (VCV000886020.9), dbSNP rs760878504, ClinGen allele CA7724829.

ClinVar aggregate classification (germline): Uncertain significance. Review status: criteria provided, multiple submitters, no conflicts (2 of 4 stars). 2 submissions from 2 submitters: Uncertain significance (2). Last evaluated 2025-12-24.

Conditions:
Progressive sclerosing poliodystrophy (MTDPS4A). Also called: Mitochondrial DNA depletion syndrome 4A (Alpers type); ALPERS PROGRESSIVE INFANTILE POLIODYSTROPHY; NEURONAL DEGENERATION OF CHILDHOOD WITH LIVER DISEASE, PROGRESSIVE; Alpers Syndrome; Mitochondrial DNA Depletion Syndrome 4A; Alpers-Huttenlocher Syndrome (AHS). Identifiers: Orphanet 726, MedGen C0205710, MONDO:0008758, OMIM 203700.
POLG-related disorder. Also called: POLG-Related Spectrum Disorders; POLG-related condition; POLG-Related Disorders. Identifiers: MedGen C4763519.

Allele frequency attached by ClinVar (database versions not stated): gnomAD exomes below 0.00001 and 0.00001; ExAC 0.00001.
gnomAD v4.1: 4 of 1,614,214 alleles (0.00025%); highest among the groups gnomAD compares: Admixed American, 0.0017%; no homozygotes.

Submissions (2):

Labcorp Genetics (formerly Invitae), Labcorp
Classification: Uncertain significance for Progressive sclerosing poliodystrophy. Last evaluated: 2025-12-24. Review status: criteria provided, single submitter. Criteria: Invitae Variant Classification Sherloc (09022015). Collection method: clinical testing. Allele origin: germline.
Comment: This sequence change replaces lysine, which is basic and polar, with arginine, which is basic and polar, at codon 480 of the POLG protein (p.Lys480Arg). This variant is present in population databases (rs760878504, gnomAD 0.0009%). This variant has not been reported in the literature in individuals affected with POLG-related conditions. ClinVar contains an entry for this variant (Variation ID: 886020). Invitae Evidence Modeling of protein sequence and biophysical properties (such as structural, functional, and spatial information, amino acid conservation, physicochemical variation, residue mobility, and thermodynamic stability) has been performed for this missense variant. However, the output from this modeling did not meet the statistical confidence thresholds required to predict the impact of this variant on POLG protein function. In summary, the available evidence is currently insufficient to determine the role of this variant in disease. Therefore, it has been classified as a Variant of Uncertain Significance.

Illumina Laboratory Services, Illumina
Classification: Uncertain significance for POLG-Related Spectrum Disorders. Last evaluated: 2017-04-28. Review status: criteria provided, single submitter. Criteria: ICSL Variant Classification Criteria 13 December 2019. Collection method: clinical testing. Allele origin: germline.